The following is an entry in ClinVar:

NM_012309.5(SHANK2):c.4323G>A (p.Lys1441=)

Gene: SHANK2 (SH3 and multiple ankyrin repeat domains 2; minus strand). Cytogenetic location: 11q13.3.
Variant type: single nucleotide variant.
Coding change: c.4323G>A on transcript NM_012309.5 (MANE Select); coding-DNA position 4323, G replaced by A.
Protein change: p.Lys1441=; no amino-acid change (lysine 1441 retained).
Molecular consequence: synonymous variant.
Genome position (GRCh38, 1-based): chr11:70,485,970, C>T on the plus strand (G>A on the coding strand, the complement: SHANK2 is on the minus strand). VCF-style: chr11-70485970-C-T. GRCh37 (hg19) VCF-style: chr11-70332075-C-T.
Other names: c.3186G>A, p.Lys1062= (NM_001379226.1); c.2559G>A, p.Lys853= (NM_133266.5).
Identifiers: ClinVar variation 3038152 (VCV003038152.1), dbSNP rs1555153185, ClinGen allele CA475471454.

ClinVar aggregate classification (germline): Likely benign (1 of 4 stars; one submission).

Conditions:
SHANK2-related disorder.

Submission:

PreventionGenetics, part of Exact Sciences
Classification: Likely benign for SHANK2-related condition. Last evaluated: 2019-05-02. Review status: criteria provided, single submitter. Criteria: ACMG Guidelines, 2015. Collection method: clinical testing. Allele origin: germline.
Comment: This variant is classified as likely benign based on ACMG/AMP sequence variant interpretation guidelines (Richards et al. 2015 PMID: 25741868, with internal and published modifications).